The following is an entry in ClinVar:

ClinVar aggregate classification (germline): Conflicting classifications of pathogenicity. Review status: criteria provided, conflicting classifications (1 of 4 stars). 3 submissions from 3 submitters: Uncertain significance (1); Likely benign (2). Last evaluated 2025-11-05.

Conditions:
Charcot-Marie-Tooth disease axonal type 2O. Also called: CHARCOT-MARIE-TOOTH NEUROPATHY, AXONAL, TYPE 2O; CHARCOT-MARIE-TOOTH DISEASE, AXONAL, AUTOSOMAL DOMINANT, TYPE 2O; Charcot-Marie-Tooth disease, axonal, type 20; Charcot-Marie-Tooth Neuropathy Type 2O. Identifiers: Orphanet 284232, MedGen C3280220, MONDO:0013644, OMIM 614228.
Inborn genetic diseases. Identifiers: MedGen C0950123, MeSH D030342.

Allele frequency attached by ClinVar (database versions not stated): TOPMed below 0.00001; gnomAD exomes 0.00001.
gnomAD v4.1: 11 of 1,614,036 alleles (0.00068%); highest among the groups gnomAD compares: African/African-American, 0.0013%; no homozygotes.

Submissions (3):

Labcorp Genetics (formerly Invitae), Labcorp
Classification: Likely benign for Charcot-Marie-Tooth disease axonal type 2O. Last evaluated: 2025-11-05. Review status: criteria provided, single submitter. Criteria: Invitae Variant Classification Sherloc (09022015). Collection method: clinical testing. Allele origin: germline.

Ambry Genetics
Classification: Uncertain significance for Inborn genetic diseases. Last evaluated: 2020-09-14. Review status: criteria provided, single submitter. Criteria: Ambry Variant Classification Scheme 2023. Collection method: clinical testing. Allele origin: germline.
Comment: The c.12215-4C>T intronic variant results from a C to T substitution 4 nucleotides upstream from coding exon 67 in the DYNC1H1 gene. This nucleotide position is not well conserved in available vertebrate species. In silico splice site analysis predicts that this alteration will not have any significant effect on splicing. Since supporting evidence is limited at this time, the clinical significance of this alteration remains unclear.

Genetic Services Laboratory, University of Chicago
Classification: Likely benign. Last evaluated: 2015-11-20. Review status: criteria provided, single submitter. Criteria: ACMG Guidelines, 2015. Collection method: clinical testing. Allele origin: germline. Affected: no.

NM_001376.5(DYNC1H1):c.12215-4C>T

Gene: DYNC1H1 (dynein cytoplasmic 1 heavy chain 1; plus strand). Cytogenetic location: 14q32.31.
Variant type: single nucleotide variant.
Coding change: c.12215-4C>T on transcript NM_001376.5 (MANE Select); 4 bases into the intron before coding-DNA position 12215, C replaced by T.
Molecular consequence: intron variant.
Genome position (GRCh38, 1-based): chr14:102,042,224, C>T. VCF-style: chr14-102042224-C-T. GRCh37 (hg19) VCF-style: chr14-102508561-C-T.
Identifiers: ClinVar variation 434978 (VCV000434978.9), dbSNP rs1174367006, ClinGen allele CA616580581.